The following is an entry in ClinVar:

ClinVar aggregate classification (germline): Likely benign. Review status: criteria provided, multiple submitters, no conflicts (2 of 4 stars). 3 submissions from 3 submitters: Likely benign (3). Last evaluated 2025-12-08.

Conditions:
Ehlers-Danlos syndrome, musculocontractural type 2 (EDSMC2). Identifiers: Orphanet 2953, MedGen C3809845, MONDO:0014236, OMIM 615539.

Allele frequency attached by ClinVar (database versions not stated): ExAC 0.00002; gnomAD 0.00003; gnomAD exomes 0.00003; TOPMed 0.00003.
gnomAD v4.1: 57 of 1,613,414 alleles (0.0035%); highest among the groups gnomAD compares: Middle Eastern, 0.09%; no homozygotes.

Submissions (3):

Labcorp Genetics (formerly Invitae), Labcorp
Classification: Likely benign for Ehlers-Danlos syndrome, musculocontractural type 2. Last evaluated: 2025-12-08. Review status: criteria provided, single submitter. Criteria: Invitae Variant Classification Sherloc (09022015). Collection method: clinical testing. Allele origin: germline.

Mayo Clinic Laboratories, Mayo Clinic
Classification: Likely benign. Last evaluated: 2025-09-24. Review status: criteria provided, single submitter. Criteria: ACMG Guidelines, 2015. Collection method: clinical testing. Allele origin: germline. Observed: 1 variant allele.
Comment: BP4, BP7

Blueprint Genetics
Classification: Likely benign. Last evaluated: 2024-01-16. Review status: criteria provided, single submitter. Criteria: ACMG Guidelines, 2015. Collection method: clinical testing. Allele origin: germline.

NM_013352.4(DSE):c.681A>G (p.Gln227=)

Gene: DSE (dermatan sulfate epimerase; plus strand). Cytogenetic location: 6q22.1.
Variant type: single nucleotide variant.
Coding change: c.681A>G on transcript NM_013352.4 (MANE Select); coding-DNA position 681, A replaced by G.
Protein change: p.Gln227=; no amino-acid change (glutamine 227 retained).
Molecular consequence: synonymous variant. On other transcripts: 5 prime UTR variant (1), non-coding transcript variant (1), intron variant (2).
Genome position (GRCh38, 1-based): chr6:116,430,964, A>G. VCF-style: chr6-116430964-A-G. GRCh37 (hg19) VCF-style: chr6-116752127-A-G.
Other names: p.Gln227=; c.681A>G, p.Gln227= (NM_001080976.3, NM_001322937.2, NM_001322938.2 and 2 more transcripts); c.738A>G, p.Gln246= (NM_001322939.2); c.120A>G, p.Gln40= (NM_001322940.2, NM_001322941.2); c.-183A>G (NM_001374520.1); c.83+4137A>G (NM_001374521.1); c.670+4137A>G (NM_001322943.2).
Identifiers: ClinVar variation 2083474 (VCV002083474.6), dbSNP rs754860828, ClinGen allele CA3969559.